The following is an entry in ClinVar:

ClinVar aggregate classification (germline): Likely pathogenic (1 of 4 stars; one submission).

Conditions:
Dentinogenesis imperfecta type 2 (DGI1). Also called: CAPDEPONT TEETH; OPALESCENT DENTIN; OPALESCENT TEETH WITHOUT OSTEOGENESIS IMPERFECTA; Dentinogenesis imperfecta without osteogenesis imperfecta; Hereditary Opalescent Dentin; Dentinogenesis imperfecta - Shield's type II. Identifiers: Orphanet 166260, MedGen C2973527, MONDO:0007441, OMIM 125490. Disease mechanism: loss of function.

Submission:

Reference Center For Rare Oral And Dental Diseases, CRMR O-Rares, Hôpitaux Universitaires De Strasbourg
Classification: Likely pathogenic for Dentinogenesis imperfecta type 2. Last evaluated: 2025-09-03. Review status: criteria provided, single submitter. Criteria: ACMG Guidelines, 2015. Collection method: clinical testing. Allele origin: unknown. Inheritance: Autosomal dominant inheritance. Affected: yes.
Comment: PVS1, PM2 (4)

NM_014208.3(DSPP):c.3743del (p.Asn1248fs)

Genes: DMP1-AS1 (DMP1 and DSPP antisense RNA 1; minus strand), DSPP (dentin sialophosphoprotein; plus strand). Cytogenetic location: 4q22.1.
Variant type: Deletion.
Coding change: c.3743del on transcript NM_014208.3 (MANE Select); coding-DNA position 3743, one base deleted (A; older notation c.3743delA).
Protein change: p.Asn1248fs; shifts the reading frame from asparagine 1248.
Molecular consequence: frameshift variant.
Genome position (GRCh38, 1-based): chr4:87,616,405, A deleted; the last of 2 consecutive A bases (chr4:87,616,404-87,616,405); deleting either gives the same sequence. VCF-style (leftmost placement, unchanged base first): chr4-87616403-CA-C. GRCh37 (hg19) VCF-style: chr4-88537555-CA-C.
Other names: short protein forms N1248fs.
Identifiers: ClinVar variation 4082217 (VCV004082217.1).